The following is an entry in ClinVar:

NM_006445.4(PRPF8):c.1292A>G (p.Tyr431Cys)

Gene: PRPF8 (pre-mRNA processing factor 8; minus strand). Cytogenetic location: 17p13.3.
Variant type: single nucleotide variant.
Coding change: c.1292A>G on transcript NM_006445.4 (MANE Select); coding-DNA position 1292, A replaced by G.
Protein change: p.Tyr431Cys; replaces tyrosine 431 with cysteine.
Molecular consequence: missense variant.
Genome position (GRCh38, 1-based): chr17:1,679,408, T>C on the plus strand (A>G on the coding strand, the complement: PRPF8 is on the minus strand). VCF-style: chr17-1679408-T-C. GRCh37 (hg19) VCF-style: chr17-1582702-T-C.
Other names: short protein forms Y431C.
Identifiers: ClinVar variation 2042681 (VCV002042681.4), dbSNP rs1912783197, ClinGen allele CA397562729.
Genomic context (GRCh38, chr17:1,679,408, plus strand): 5'-AGCAGCTTCTGGTAGGAGACCCTCACTTTCACAGGCTGCCCGGCAGGACAATGCTCCCGA[T>C]ACCTGGAAAAATAAGCCCACCAGAGTTTGGCCATCTCTTCTTCCAGACACTCTGCTAAAG-3'
Protein context (NP_006436.3, residues 421-441): ALDIPLVKNW[Tyr431Cys]REHCPAGQPV

ClinVar aggregate classification (germline): Uncertain significance (1 of 4 stars; one submission).

Allele frequency attached by ClinVar (database versions not stated): gnomAD exomes below 0.00001.
gnomAD v4.1: 1 of 1,612,336 alleles (0.000062%); highest among the groups gnomAD compares: Non-Finnish European, 0.000085%; no homozygotes.

Submission:

Labcorp Genetics (formerly Invitae), Labcorp
Classification: Uncertain significance. Last evaluated: 2022-07-05. Review status: criteria provided, single submitter. Criteria: Invitae Variant Classification Sherloc (09022015). Collection method: clinical testing. Allele origin: germline.
Comment: This variant has not been reported in the literature in individuals affected with PRPF8-related conditions. This variant is not present in population databases (gnomAD no frequency). This sequence change replaces tyrosine, which is neutral and polar, with cysteine, which is neutral and slightly polar, at codon 431 of the PRPF8 protein (p.Tyr431Cys). Algorithms developed to predict the effect of missense changes on protein structure and function are either unavailable or do not agree on the potential impact of this missense change (SIFT: "Deleterious"; PolyPhen-2: "Probably Damaging"; Align-GVGD: "Class C0"). In summary, the available evidence is currently insufficient to determine the role of this variant in disease. Therefore, it has been classified as a Variant of Uncertain Significance.